The following is an entry in ClinVar:

NM_001379500.1(COL18A1):c.1221+2T>C

Gene: COL18A1 (collagen type XVIII alpha 1 chain; plus strand). Cytogenetic location: 21q22.3.
Variant type: single nucleotide variant.
Coding change: c.1221+2T>C on transcript NM_001379500.1 (MANE Select); the canonical splice donor site of the intron after coding-DNA position 1221, T replaced by C.
Molecular consequence: splice donor variant.
Genome position (GRCh38, 1-based): chr21:45,477,967, T>C. VCF-style: chr21-45477967-T-C. GRCh37 (hg19) VCF-style: chr21-46897881-T-C.
Other names: c.2466+2T>C (NM_130444.3); c.1761+2T>C (NM_030582.4).
Identifiers: ClinVar variation 4746916 (VCV004746916.1).

ClinVar aggregate classification (germline): Likely pathogenic (1 of 4 stars; one submission).

gnomAD v4.1: 3 of 1,472,372 alleles (0.0002%); highest among the groups gnomAD compares: Non-Finnish European, 0.00028%; no homozygotes.

Submission:

Labcorp Genetics (formerly Invitae), Labcorp
Classification: Likely pathogenic. Last evaluated: 2025-05-13. Review status: criteria provided, single submitter. Criteria: Invitae Variant Classification Sherloc (09022015). Collection method: clinical testing. Allele origin: germline.
Comment: This sequence change affects a donor splice site in intron 8 of the COL18A1 gene. It is expected to disrupt RNA splicing. Variants that disrupt the donor or acceptor splice site typically lead to a loss of protein function (PMID: 16199547), and loss-of-function variants in COL18A1 are known to be pathogenic (PMID: 12415512, 25456301). This variant is not present in population databases (gnomAD no frequency). This variant has not been reported in the literature in individuals affected with COL18A1-related conditions. Algorithms developed to predict the effect of sequence changes on RNA splicing suggest that this variant may disrupt the consensus splice site. In summary, the currently available evidence indicates that the variant is pathogenic, but additional data are needed to prove that conclusively. Therefore, this variant has been classified as Likely Pathogenic.

Literature cited by the submitters: PubMed 16199547; PubMed 12415512; PubMed 25456301.